The following is an entry in ClinVar:

NM_001080467.3(MYO5B):c.604A>G (p.Ile202Val)

Gene: MYO5B (myosin VB; minus strand). Cytogenetic location: 18q21.1.
Variant type: single nucleotide variant.
Coding change: c.604A>G on transcript NM_001080467.3 (MANE Select); coding-DNA position 604, A replaced by G.
Protein change: p.Ile202Val; replaces isoleucine 202 with valine.
Molecular consequence: missense variant.
Genome position (GRCh38, 1-based): chr18:50,001,263, T>C on the plus strand (A>G on the coding strand, the complement: MYO5B is on the minus strand). VCF-style: chr18-50001263-T-C. GRCh37 (hg19) VCF-style: chr18-47527633-T-C.
Other names: short protein forms I202V.
Identifiers: ClinVar variation 1345414 (VCV001345414.6), dbSNP rs867785853, ClinGen allele CA299989304.

ClinVar aggregate classification (germline): Uncertain significance (1 of 4 stars; one submission).

Allele frequency attached by ClinVar (database versions not stated): gnomAD exomes below 0.00001; gnomAD 0.00001; TOPMed 0.00002.
gnomAD v4.1: 3 of 1,614,058 alleles (0.00019%); highest among the groups gnomAD compares: African/African-American, 0.0027%; no homozygotes.

Submission:

Labcorp Genetics (formerly Invitae), Labcorp
Classification: Uncertain significance. Last evaluated: 2021-10-22. Review status: criteria provided, single submitter. Criteria: Invitae Variant Classification Sherloc (09022015). Collection method: clinical testing. Allele origin: germline.
Comment: This variant has not been reported in the literature in individuals affected with MYO5B-related conditions. In summary, the available evidence is currently insufficient to determine the role of this variant in disease. Therefore, it has been classified as a Variant of Uncertain Significance. Algorithms developed to predict the effect of missense changes on protein structure and function are either unavailable or do not agree on the potential impact of this missense change (SIFT: "Deleterious"; PolyPhen-2: "Possibly Damaging"; Align-GVGD: "Class C0"). This variant is not present in population databases (gnomAD no frequency). This sequence change replaces isoleucine, which is neutral and non-polar, with valine, which is neutral and non-polar, at codon 202 of the MYO5B protein (p.Ile202Val).